The following is an entry in ClinVar:

ClinVar aggregate classification (germline): Likely benign (1 of 4 stars; one submission).

gnomAD v4.1: 48 of 1,582,566 alleles (0.003%); highest among the groups gnomAD compares: Non-Finnish European, 0.0036%; no homozygotes.

Submission:

Women's Health and Genetics/Laboratory Corporation of America, LabCorp
Classification: Likely benign. Last evaluated: 2026-05-20. Review status: criteria provided, single submitter. Criteria: LabCorp Variant Classification Summary - May 2015. Collection method: clinical testing. Allele origin: germline.
Comment: Variant summary: CSNK2A1 c.1061-3C>T alters a nucleotide located close to a canonical splice site and therefore could affect mRNA splicing, leading to a significantly altered protein sequence. Consensus agreement among computation tools predict no significant impact on normal splicing. However, these predictions have yet to be confirmed by functional studies. The variant allele was found at a frequency of 1e-05 in 197778 control chromosomes (gnomAD v2.1). The occurrence of the variant in many unaffected individuals (gnomAD v4.1) suggests it is a benign polymorphism. To our knowledge, no occurrence of c.1061-3C>T in individuals affected with CSNK2A1-related conditions and no experimental evidence demonstrating its impact on protein function have been reported. No submitters have cited clinical-significance assessments for this variant to ClinVar. Based on the evidence outlined above, the variant was classified as likely benign.

NM_177559.3(CSNK2A1):c.1061-3C>T

Gene: CSNK2A1 (casein kinase 2 alpha 1; minus strand). Cytogenetic location: 20p13.
Variant type: single nucleotide variant.
Coding change: c.1061-3C>T on transcript NM_177559.3 (MANE Select); 3 bases into the intron before coding-DNA position 1061, C replaced by T.
Molecular consequence: intron variant.
Genome position (GRCh38, 1-based): chr20:484,079, G>A on the plus strand (C>T on the coding strand, the complement: CSNK2A1 is on the minus strand). VCF-style: chr20-484079-G-A. GRCh37 (hg19) VCF-style: chr20-464723-G-A.
Other names: c.653-3C>T (NM_177560.3); c.1061-3C>T (NM_001362771.2, NM_001895.4, NM_001362770.2).
Identifiers: ClinVar variation 4853761 (VCV004853761.1).
Genomic context (GRCh38, chr20:484,079, plus strand): 5'-ATCACTGGTGAGCCTGCCAGAGGTCCAAGGGGTGAAGGGGTTGGCACTGAAGAAATCCCT[G>A]AAAGAAAAGAGCTGTCAGTGAGCCAAAGACACCAACCATGGCAATCTTACCAGTTTCTCA-3'